The following is an entry in ClinVar:

ClinVar aggregate classification (germline): Uncertain significance (1 of 4 stars; one submission).

Submission:

Labcorp Genetics (formerly Invitae), Labcorp
Classification: Uncertain significance. Last evaluated: 2025-12-15. Review status: criteria provided, single submitter. Criteria: Invitae Variant Classification Sherloc (09022015). Collection method: clinical testing. Allele origin: germline.
Comment: This sequence change replaces glycine, which is neutral and non-polar, with serine, which is neutral and polar, at codon 594 of the CLCN7 protein (p.Gly594Ser). This variant is not present in population databases (gnomAD no frequency). This variant has not been reported in the literature in individuals affected with CLCN7-related conditions. Invitae Evidence Modeling of protein sequence and biophysical properties (such as structural, functional, and spatial information, amino acid conservation, physicochemical variation, residue mobility, and thermodynamic stability) indicates that this missense variant is expected to disrupt CLCN7 protein function with a positive predictive value of 95%. In summary, the available evidence is currently insufficient to determine the role of this variant in disease. Therefore, it has been classified as a Variant of Uncertain Significance.

NM_001287.6(CLCN7):c.1780G>A (p.Gly594Ser)

Gene: CLCN7 (Cl-/H+ antiporter 7; minus strand). Cytogenetic location: 16p13.3.
Variant type: single nucleotide variant.
Coding change: c.1780G>A on transcript NM_001287.6 (MANE Select); coding-DNA position 1780, G replaced by A.
Protein change: p.Gly594Ser; replaces glycine 594 with serine.
Molecular consequence: missense variant.
Genome position (GRCh38, 1-based): chr16:1,448,983, C>T on the plus strand (G>A on the coding strand, the complement: CLCN7 is on the minus strand). VCF-style: chr16-1448983-C-T. GRCh37 (hg19) VCF-style: chr16-1498984-C-T.
Other names: c.1708G>A, p.Gly570Ser (NM_001114331.3); short protein forms G570S, G594S.
Identifiers: ClinVar variation 4809773 (VCV004809773.1).